The following is an entry in ClinVar:

ClinVar aggregate classification (germline): Uncertain significance (1 of 4 stars; one submission).

Conditions:
Leukodystrophy, childhood-onset, remitting (CORLK). Identifiers: MedGen C5676979, MONDO:0859246, OMIM 619864.

Submission:

Neuberg Centre For Genomic Medicine, NCGM
Classification: Uncertain significance for Leukodystrophy, childhood-onset, remitting. Last evaluated: 2023-07-22. Review status: criteria provided, single submitter. Criteria: ACMG Guidelines, 2015. Collection method: clinical testing. Allele origin: germline. Inheritance: Autosomal dominant inheritance. Affected: yes.
Comment: The observed missense variant c.104T>Cp.Leu35Pro in the FBP2 gene has not been reported previously as a pathogenic variant nor as a benign variant, to our knowledge. This variant is absent in the gnomAD Exomes. The amino acid Leu at position 35 is changed to a Pro changing protein sequence and it might alter its composition and physico-chemical properties. Multiple lines of computational evidence Polyphen - Damaging, SIFT - Damaging and MutationTaster - Disease causing predict a damaging effect on protein structure and function for this variant. The residue is conserved by GERP++ and PhyloP across 100 vertebrates. For these reasons, this variant has been classified as Uncertain Significance.

NM_003837.4(FBP2):c.104T>C (p.Leu35Pro)

Gene: FBP2 (fructose-bisphosphatase 2; minus strand). Cytogenetic location: 9q22.32.
Variant type: single nucleotide variant.
Coding change: c.104T>C on transcript NM_003837.4 (MANE Select); coding-DNA position 104, T replaced by C.
Protein change: p.Leu35Pro; replaces leucine 35 with proline.
Molecular consequence: missense variant.
Genome position (GRCh38, 1-based): chr9:94,593,623, A>G on the plus strand (T>C on the coding strand, the complement: FBP2 is on the minus strand). VCF-style: chr9-94593623-A-G. GRCh37 (hg19) VCF-style: chr9-97355905-A-G.
Other names: short protein forms L35P.
Identifiers: ClinVar variation 3391367 (VCV003391367.1).